The following is an entry in ClinVar:

NM_001035.3(RYR2):c.10397T>C (p.Ile3466Thr)

Gene: RYR2 (ryanodine receptor 2; plus strand). Cytogenetic location: 1q43.
Variant type: single nucleotide variant.
Coding change: c.10397T>C on transcript NM_001035.3 (MANE Select); coding-DNA position 10397, T replaced by C.
Protein change: p.Ile3466Thr; replaces isoleucine 3466 with threonine.
Molecular consequence: missense variant.
Genome position (GRCh38, 1-based): chr1:237,717,271, T>C. VCF-style: chr1-237717271-T-C. GRCh37 (hg19) VCF-style: chr1-237880571-T-C.
Other names: short protein forms I3466T.
Identifiers: ClinVar variation 3776652 (VCV003776652.2).
Genomic context (GRCh38, chr1:237,717,271, plus strand): 5'-ATCAGGAAAGGAAGAAAATGAAGCGCAAAGGAGATCGGTATTCCATGCAGACCTCTCTGA[T>C]TGTAGCAGCTCTGAAGCGGTTACTGCCCATTGGGTTGAACATCTGTGCCCCTGGGGACCA-3'
Protein context (NP_001026.2, residues 3456-3476): GDRYSMQTSL[Ile3466Thr]VAALKRLLPI

ClinVar aggregate classification (germline): Uncertain significance (1 of 4 stars; one submission).

gnomAD v4.1: 3 of 1,613,694 alleles (0.00019%); highest among the groups gnomAD compares: Non-Finnish European, 0.00017%; no homozygotes.

Submission:

GeneDx
Classification: Uncertain significance. Last evaluated: 2025-07-09. Review status: criteria provided, single submitter. Criteria: GeneDx Variant Classification Process June 2021. Collection method: clinical testing. Allele origin: germline.
Comment: Not observed at significant frequency in large population cohorts (gnomAD); In silico analysis supports that this missense variant has a deleterious effect on protein structure/function; Has not been previously published as pathogenic or benign to our knowledge; This variant is associated with the following publications: (PMID: 19926015)